The following is an entry in ClinVar:

ClinVar aggregate classification (germline): Conflicting classifications of pathogenicity. Review status: criteria provided, conflicting classifications (1 of 4 stars). 3 submissions from 3 submitters: Uncertain significance (1); Likely benign (2). Last evaluated 2025-06-11.

Conditions:
Malignant hyperthermia, susceptibility to, 1 (MHS1). Also called: Malignant hyperthermia suceptibility 1; Anesthesia related hyperthermia; Malignant hyperpyrexia; Fulminating hyperpyrexia; Pharmacogenic myopathy; RYR1-Related Malignant Hyperthermia Susceptibility. Identifiers: Orphanet 423, MedGen C2930980, MONDO:0007783, OMIM 145600.
RYR1-related disorder. Also called: RYR1-related condition; RYR1-related disorders. Identifiers: MedGen CN239331.

Allele frequency attached by ClinVar (database versions not stated): gnomAD exomes below 0.00001 and 0.00001; TOPMed 0.00001.
gnomAD v4.1: 2 of 1,614,114 alleles (0.00012%); highest among the groups gnomAD compares: Admixed American, 0.0033%; no homozygotes.

Submissions (3):

Color Diagnostics, LLC DBA Color Health
Classification: Likely benign for Malignant hyperthermia, susceptibility to, 1. Last evaluated: 2025-06-11. Review status: criteria provided, single submitter. Criteria: ACMG Guidelines, 2015. Collection method: clinical testing. Allele origin: germline.

Labcorp Genetics (formerly Invitae), Labcorp
Classification: Likely benign for RYR1-related disorder. Last evaluated: 2023-12-30. Review status: criteria provided, single submitter. Criteria: Invitae Variant Classification Sherloc (09022015). Collection method: clinical testing. Allele origin: germline.

All of Us Research Program, National Institutes of Health
Classification: Uncertain significance for Malignant hyperthermia, susceptibility to, 1. Last evaluated: 2023-04-03. Review status: criteria provided, single submitter. Criteria: ACMG Guidelines, 2015. Collection method: clinical testing. Allele origin: germline. Inheritance: Autosomal dominant inheritance. Observed: 1 variant allele, 1 heterozygote.
Comment: This variant is located in the RYR1 protein. To our knowledge, functional studies have not been reported for this variant. This variant has not been reported in individuals affected with RYR1-related disorders in the literature. This variant has been identified in 2/250938 chromosomes in the general population by the Genome Aggregation Database (gnomAD). The available evidence is insufficient to determine the role of this variant in disease conclusively. Therefore, this variant is classified as a Variant of Uncertain Significance.

This study involves interpretation of variants in research participants for the purpose of population health screening. Participant phenotype was not available at the time of variant classification. Additional details can be found in publication PMID: 35346344, PMCID: PMC8962531

NM_000540.3(RYR1):c.10041C>T (p.Ser3347=)

Gene: RYR1 (ryanodine receptor 1; plus strand). Cytogenetic location: 19q13.2.
Variant type: single nucleotide variant.
Coding change: c.10041C>T on transcript NM_000540.3 (MANE Select); coding-DNA position 10041, C replaced by T.
Protein change: p.Ser3347=; no amino-acid change (serine 3347 retained).
Molecular consequence: synonymous variant.
Genome position (GRCh38, 1-based): chr19:38,519,236, C>T. VCF-style: chr19-38519236-C-T. GRCh37 (hg19) VCF-style: chr19-39009876-C-T.
Other names: c.10041C>T, p.Ser3347= (NM_001042723.2).
Identifiers: ClinVar variation 1591275 (VCV001591275.9), dbSNP rs1379806132, ClinGen allele CA507354344.